The following is an entry in ClinVar:

NM_015214.3(DDHD2):c.1305G>C (p.Lys435Asn)

Gene: DDHD2 (DDHD domain containing 2; plus strand). Cytogenetic location: 8p11.23.
Variant type: single nucleotide variant.
Coding change: c.1305G>C on transcript NM_015214.3 (MANE Select); coding-DNA position 1305, G replaced by C.
Protein change: p.Lys435Asn; replaces lysine 435 with asparagine.
Molecular consequence: missense variant. On other transcripts: non-coding transcript variant (2).
Genome position (GRCh38, 1-based): chr8:38,249,764, G>C. VCF-style: chr8-38249764-G-C. GRCh37 (hg19) VCF-style: chr8-38107282-G-C.
Other names: c.1305G>C, p.Lys435Asn (NM_001164232.2, NM_001362911.2, NM_001362912.2 and 1 more transcripts); c.1215G>C, p.Lys405Asn (NM_001362913.2); short protein forms K435N, K405N.
Identifiers: ClinVar variation 2194795 (VCV002194795.4), dbSNP rs372509717, ClinGen allele CA4716207.

ClinVar aggregate classification (germline): Uncertain significance (1 of 4 stars; one submission).

Conditions:
Hereditary spastic paraplegia 54. Also called: Spastic paraplegia 54, autosomal recessive. Identifiers: Orphanet 320380, MedGen C3539495, MONDO:0014018, OMIM 615033.

gnomAD v4.1: 18 of 1,612,138 alleles (0.0011%); highest among the groups gnomAD compares: South Asian, 0.018%; 1 homozygote.

Submission:

Labcorp Genetics (formerly Invitae), Labcorp
Classification: Uncertain significance for Hereditary spastic paraplegia 54. Last evaluated: 2022-12-06. Review status: criteria provided, single submitter. Criteria: Invitae Variant Classification Sherloc (09022015). Collection method: clinical testing. Allele origin: germline.
Comment: In summary, the available evidence is currently insufficient to determine the role of this variant in disease. Therefore, it has been classified as a Variant of Uncertain Significance. Advanced modeling of protein sequence and biophysical properties (such as structural, functional, and spatial information, amino acid conservation, physicochemical variation, residue mobility, and thermodynamic stability) performed at Invitae indicates that this missense variant is expected to disrupt DDHD2 protein function. This variant has not been reported in the literature in individuals affected with DDHD2-related conditions. This variant is present in population databases (rs372509717, gnomAD 0.01%). This sequence change replaces lysine, which is basic and polar, with asparagine, which is neutral and polar, at codon 435 of the DDHD2 protein (p.Lys435Asn).